The following is an entry in ClinVar:

ClinVar aggregate classification (germline): Benign (1 of 4 stars; one submission).

Allele frequency attached by ClinVar (database versions not stated): 1000 Genomes Project 0.53395; 1000 Genomes Project 30x 0.53592; gnomAD 0.56614 and 0.56789; TOPMed 0.57159.
gnomAD v4.1: 85,943 of 152,172 alleles (56%); highest among the groups gnomAD compares: Admixed American, 68%; 24,591 homozygotes.

Submission:

GeneDx
Classification: Benign. Last evaluated: 2018-06-14. Review status: criteria provided, single submitter. Criteria: GeneDx Variant Classification (06012015). Collection method: clinical testing. Allele origin: germline. Affected: yes.
Comment: This variant is considered likely benign or benign based on one or more of the following criteria: it is a conservative change, it occurs at a poorly conserved position in the protein, it is predicted to be benign by multiple in silico algorithms, and/or has population frequency not consistent with disease.

NM_000093.5(COL5A1):c.654+213C>T

Gene: COL5A1 (collagen type V alpha 1 chain; plus strand). Cytogenetic location: 9q34.3.
Variant type: single nucleotide variant.
Coding change: c.654+213C>T on transcript NM_000093.5 (MANE Select); 213 bases into the intron after coding-DNA position 654, C replaced by T.
Molecular consequence: intron variant.
Genome position (GRCh38, 1-based): chr9:134,701,546, C>T. VCF-style: chr9-134701546-C-T. GRCh37 (hg19) VCF-style: chr9-137593392-C-T.
Other names: c.654+213C>T (NM_001278074.1).
Identifiers: ClinVar variation 672239 (VCV000672239.1), dbSNP rs3922644, ClinGen allele CA12975065.